The following is an entry in ClinVar:

NM_006766.5(KAT6A):c.3242C>G (p.Pro1081Arg)

Gene: KAT6A (lysine acetyltransferase 6A; minus strand). Cytogenetic location: 8p11.21.
Variant type: single nucleotide variant.
Coding change: c.3242C>G on transcript NM_006766.5 (MANE Select); coding-DNA position 3242, C replaced by G.
Protein change: p.Pro1081Arg; replaces proline 1081 with arginine.
Molecular consequence: missense variant.
Genome position (GRCh38, 1-based): chr8:41,937,366, G>C on the plus strand (C>G on the coding strand, the complement: KAT6A is on the minus strand). VCF-style: chr8-41937366-G-C. GRCh37 (hg19) VCF-style: chr8-41794884-G-C.
Other names: short protein forms P1081R.
Identifiers: ClinVar variation 719038 (VCV000719038.11), dbSNP rs143819823, ClinGen allele CA4729734.

ClinVar aggregate classification (germline): Benign/Likely benign. Review status: criteria provided, multiple submitters, no conflicts (2 of 4 stars). 3 submissions from 3 submitters: Benign (1); Likely benign (2). Last evaluated 2025-11-25.

Conditions:
KAT6A-related disorder. Also called: KAT6A-related condition.

Allele frequency attached by ClinVar (database versions not stated): ExAC 0.00013; 1000 Genomes Project 30x 0.00016; 1000 Genomes Project 0.00020; gnomAD 0.00029 and 0.00031; TOPMed 0.00030; ESP Exome Variant Server 0.00046.
gnomAD v4.1: 89 of 1,614,050 alleles (0.0055%); highest among the groups gnomAD compares: African/African-American, 0.11%; no homozygotes.

Submissions (3):

Labcorp Genetics (formerly Invitae), Labcorp
Classification: Likely benign. Last evaluated: 2025-11-25. Review status: criteria provided, single submitter. Criteria: Invitae Variant Classification Sherloc (09022015). Collection method: clinical testing. Allele origin: germline.

PreventionGenetics, part of Exact Sciences
Classification: Likely benign for KAT6A-related condition. Last evaluated: 2025-10-31. Review status: criteria provided, single submitter. Criteria: ACMG Guidelines, 2015. Collection method: clinical testing. Allele origin: germline.
Comment: This variant is classified as likely benign based on ACMG/AMP sequence variant interpretation guidelines (Richards et al. 2015 PMID: 25741868, with internal and published modifications).

GeneDx
Classification: Benign. Last evaluated: 2021-04-19. Review status: criteria provided, single submitter. Criteria: GeneDx Variant Classification Process June 2021. Collection method: clinical testing. Allele origin: germline. Affected: yes.